The following is an entry in ClinVar:

ClinVar aggregate classification (germline): Uncertain significance. Review status: criteria provided, multiple submitters, no conflicts (2 of 4 stars). 2 submissions from 2 submitters: Uncertain significance (2). Last evaluated 2024-06-21.

Conditions:
Cardiovascular phenotype. Identifiers: MedGen CN230736.
Hereditary cancer-predisposing syndrome. Also called: Hereditary Cancer Syndrome; Hereditary neoplastic syndrome; Neoplastic Syndromes, Hereditary; Tumor predisposition. Identifiers: Orphanet 140162, MedGen C0027672, MeSH D009386, MONDO:0015356.
Noonan syndrome 10 (NS10). Identifiers: Orphanet 648, MedGen C4225280, MONDO:0014693, OMIM 616564.
LZTR1-related schwannomatosis. Also called: Schwannomatosis 2; Schwannomatosis-2, susceptibility to. Identifiers: Orphanet 93921, MedGen C3810283, MONDO:0014299, OMIM 615670.
Noonan syndrome 2 (NS2). Identifiers: Orphanet 648, MedGen C1854469, MONDO:0011531, OMIM 605275.

Allele frequency attached by ClinVar (database versions not stated): gnomAD exomes below 0.00001.

Submissions (2):

Fulgent Genetics
Classification: Uncertain significance for Noonan syndrome 2; LZTR1-related schwannomatosis; Noonan syndrome 10. Last evaluated: 2024-06-21. Review status: criteria provided, single submitter. Criteria: ACMG Guidelines, 2015. Collection method: clinical testing. Allele origin: germline.

Ambry Genetics
Classification: Uncertain significance for Cardiovascular phenotype; Hereditary cancer-predisposing syndrome. Last evaluated: 2022-09-25. Review status: criteria provided, single submitter. Criteria: Ambry Variant Classification Scheme 2023. Collection method: clinical testing. Allele origin: germline.
Comment: The p.A482T variant (also known as c.1444G>A), located in coding exon 13 of the LZTR1 gene, results from a G to A substitution at nucleotide position 1444. The alanine at codon 482 is replaced by threonine, an amino acid with similar properties. This amino acid position is conserved. In addition, this alteration is predicted to be tolerated by in silico analysis. Since supporting evidence is limited at this time, the clinical significance of this alteration remains unclear.

NM_006767.4(LZTR1):c.1444G>A (p.Ala482Thr)

Gene: LZTR1 (leucine zipper like post translational regulator 1; plus strand). Cytogenetic location: 22q11.21.
Variant type: single nucleotide variant.
Coding change: c.1444G>A on transcript NM_006767.4 (MANE Select); coding-DNA position 1444, G replaced by A.
Protein change: p.Ala482Thr; replaces alanine 482 with threonine.
Molecular consequence: missense variant.
Genome position (GRCh38, 1-based): chr22:20,994,014, G>A. VCF-style: chr22-20994014-G-A. GRCh37 (hg19) VCF-style: chr22-21348303-G-A.
Other names: short protein forms A482T.
Identifiers: ClinVar variation 1772774 (VCV001772774.3), dbSNP rs2518620590, ClinGen allele CA410775358.